The following is an entry in ClinVar:

NM_000548.5(TSC2):c.*8G>A

Gene: TSC2 (TSC complex subunit 2; plus strand). Cytogenetic location: 16p13.3.
Variant type: single nucleotide variant.
Coding change: c.*8G>A on transcript NM_000548.5 (MANE Select); 8 bases downstream of the stop codon, G replaced by A.
Molecular consequence: 3 prime UTR variant. On other transcripts: non-coding transcript variant (5).
Genome position (GRCh38, 1-based): chr16:2,088,618, G>A. VCF-style: chr16-2088618-G-A. GRCh37 (hg19) VCF-style: chr16-2138619-G-A.
Other names: c.*8G>A (NM_001077183.3, NM_001114382.3, NM_001370404.1 and 39 more transcripts).
Identifiers: ClinVar variation 4071034 (VCV004071034.1).

ClinVar aggregate classification (germline): Benign (1 of 4 stars; one submission).

Conditions:
Tuberous sclerosis 2 (TSC2). Identifiers: Orphanet 805, MedGen C1860707, MONDO:0013199, OMIM 613254.

gnomAD v4.1: 4 of 1,599,552 alleles (0.00025%); highest among the groups gnomAD compares: Admixed American, 0.0034%; no homozygotes.

Submission:

Myriad Genetics, Inc.
Classification: Benign for Tuberous sclerosis 2. Last evaluated: 2025-06-09. Review status: criteria provided, single submitter. Criteria: Myriad Autosomal Dominant, Autosomal Recessive and X-Linked Classification Criteria (2023). Collection method: clinical testing. Allele origin: unknown.
Comment: This variant is considered benign. This variant occurs in the non-coding 3' untranslated region of the gene, and is not expected to impact protein function.